The following is an entry in ClinVar:

NM_001130987.2(DYSF):c.5308G>T (p.Glu1770Ter)

Gene: DYSF (dysferlin; plus strand). Cytogenetic location: 2p13.2.
Variant type: single nucleotide variant.
Coding change: c.5308G>T on transcript NM_001130987.2 (MANE Select); coding-DNA position 5308, G replaced by T.
Protein change: p.Glu1770Ter; replaces glutamic acid 1770 with a stop codon.
Molecular consequence: nonsense.
Genome position (GRCh38, 1-based): chr2:71,665,295, G>T. VCF-style: chr2-71665295-G-T. GRCh37 (hg19) VCF-style: chr2-71892425-G-T.
Other names: c.5194G>T, p.Glu1732Ter (NM_001130455.2); c.5149G>T, p.Glu1717Ter (NM_001130976.2); c.5212G>T, p.Glu1738Ter (NM_001130977.2); c.5254G>T, p.Glu1752Ter (NM_001130978.2); c.5284G>T, p.Glu1762Ter (NM_001130979.2); c.5242G>T, p.Glu1748Ter (NM_001130980.2); c.5305G>T, p.Glu1769Ter (NM_001130981.2); c.5287G>T, p.Glu1763Ter (NM_001130982.2); and 5 more; short protein forms E1717*, E1718*, E1731*, E1732*, E1738*, E1739*, E1748*, E1749*.
Identifiers: ClinVar variation 984247 (VCV000984247.4), dbSNP rs2094976185, ClinGen allele CA347221175.
Genomic context (GRCh38, chr2:71,665,295, plus strand): 5'-GTCAAGGCACCTGTGTACCGGACAGACCGTGTAATGTTTCAGGATAAAGAATATTCCATT[G>T]AAGAGATAGGTGAGCTGCCACATGACCCCAAACCATGGTGGGCTCTCGCTGTATCCCTCC-3'

ClinVar aggregate classification (germline): Likely pathogenic (1 of 4 stars; one submission).

Conditions:
Autosomal recessive limb-girdle muscular dystrophy. Identifiers: Orphanet 102015, MedGen C2931907, MONDO:0015152.

Allele frequency attached by ClinVar (database versions not stated): gnomAD exomes below 0.00001.
gnomAD v4.1: 1 of 1,614,138 alleles (0.000062%); highest among the groups gnomAD compares: South Asian, 0.0011%; no homozygotes.

Submission:

Myriad Genetics, Inc.
Classification: Likely pathogenic for Autosomal recessive limb-girdle muscular dystrophy. Last evaluated: 2019-06-07. Review status: criteria provided, single submitter. Criteria: Myriad Autosomal Dominant, Autosomal Recessive and X-Linked Classification Criteria (2023). Collection method: clinical testing. Allele origin: unknown.
Comment: NM_003494.3(DYSF):c.5191G>T(E1731*) is expected to be pathogenic in the context of dysferlinopathy. This variant is predicted to lead to an abnormal or absent protein product due to the creation of a premature termination codon in DYSF, a gene where loss-of-function variants are known to be pathogenic. Please note: this variant was assessed in the context of healthy population screening.